The following is an entry in ClinVar:

ClinVar aggregate classification (germline): Uncertain significance (1 of 4 stars; one submission).

Conditions:
GM3 synthase deficiency (SPDRS). Also called: SALT AND PEPPER DEVELOPMENTAL REGRESSION SYNDROME; SALT AND PEPPER MENTAL RETARDATION SYNDROME; AMISH INFANTILE EPILEPSY SYNDROME. Identifiers: Orphanet 171714, Orphanet 370933, MedGen C1836824, MONDO:0018274, OMIM 609056.

Submission:

Labcorp Genetics (formerly Invitae), Labcorp
Classification: Uncertain significance for GM3 synthase deficiency. Last evaluated: 2024-08-06. Review status: criteria provided, single submitter. Criteria: Invitae Variant Classification Sherloc (09022015). Collection method: clinical testing. Allele origin: germline.
Comment: This sequence change replaces glutamine, which is neutral and polar, with proline, which is neutral and non-polar, at codon 48 of the ST3GAL5 protein (p.Gln48Pro). This variant is not present in population databases (gnomAD no frequency). This variant has not been reported in the literature in individuals affected with ST3GAL5-related conditions. ClinVar contains an entry for this variant (Variation ID: 1992571). An algorithm developed to predict the effect of missense changes on protein structure and function outputs the following: PolyPhen-2: "Benign". The proline amino acid residue is found in multiple mammalian species, which suggests that this missense change does not adversely affect protein function. In summary, the available evidence is currently insufficient to determine the role of this variant in disease. Therefore, it has been classified as a Variant of Uncertain Significance.

NM_003896.4(ST3GAL5):c.143A>C (p.Gln48Pro)

Gene: ST3GAL5 (ST3 beta-galactoside alpha-2,3-sialyltransferase 5; minus strand). Cytogenetic location: 2p11.2.
Variant type: single nucleotide variant.
Coding change: c.143A>C on transcript NM_003896.4 (MANE Select); coding-DNA position 143, A replaced by C.
Protein change: p.Gln48Pro; replaces glutamine 48 with proline.
Molecular consequence: missense variant. On other transcripts: 5 prime UTR variant (5).
Genome position (GRCh38, 1-based): chr2:85,863,425, T>G on the plus strand (A>C on the coding strand, the complement: ST3GAL5 is on the minus strand). VCF-style: chr2-85863425-T-G. GRCh37 (hg19) VCF-style: chr2-86090548-T-G.
Other names: c.-859A>C (NM_001354233.2); c.-823A>C (NM_001354234.1); c.59A>C, p.Gln20Pro (NM_001354238.1, NM_001354227.2, NM_001354229.2); c.143A>C, p.Gln48Pro (NM_001363847.1); c.74A>C, p.Gln25Pro (NM_001042437.2); c.-419A>C (NM_001354223.2, NM_001354226.2); c.-482A>C (NM_001354224.2); short protein forms Q20P, Q48P, Q25P.
Identifiers: ClinVar variation 1992571 (VCV001992571.3), dbSNP rs2467191039, ClinGen allele CA347534925.